The following is an entry in ClinVar:

NM_170601.5(SIAE):c.99T>A (p.Asn33Lys)

Gene: SIAE (sialic acid acetylesterase; minus strand). Cytogenetic location: 11q24.2.
Variant type: single nucleotide variant.
Coding change: c.99T>A on transcript NM_170601.5 (MANE Select); coding-DNA position 99, T replaced by A.
Protein change: p.Asn33Lys; replaces asparagine 33 with lysine.
Molecular consequence: missense variant. On other transcripts: 5 prime UTR variant (1).
Genome position (GRCh38, 1-based): chr11:124,669,490, A>T on the plus strand (T>A on the coding strand, the complement: SIAE is on the minus strand). VCF-style: chr11-124669490-A-T. GRCh37 (hg19) VCF-style: chr11-124539386-A-T.
Other names: c.-7T>A (NM_001199922.2); short protein forms N33K.
Identifiers: ClinVar variation 2010578 (VCV002010578.4), dbSNP rs2496952945, ClinGen allele CA383122380.

ClinVar aggregate classification (germline): Uncertain significance (1 of 4 stars; one submission).

Submission:

Labcorp Genetics (formerly Invitae), Labcorp
Classification: Uncertain significance. Last evaluated: 2022-06-25. Review status: criteria provided, single submitter. Criteria: Invitae Variant Classification Sherloc (09022015). Collection method: clinical testing. Allele origin: germline.
Comment: This sequence change replaces asparagine, which is neutral and polar, with lysine, which is basic and polar, at codon 33 of the SIAE protein (p.Asn33Lys). This variant is not present in population databases (gnomAD no frequency). This variant has not been reported in the literature in individuals affected with SIAE-related conditions. Algorithms developed to predict the effect of missense changes on protein structure and function (SIFT, PolyPhen-2, Align-GVGD) all suggest that this variant is likely to be tolerated. In summary, the available evidence is currently insufficient to determine the role of this variant in disease. Therefore, it has been classified as a Variant of Uncertain Significance.